The following is an entry in ClinVar:

NM_001035.3(RYR2):c.12272C>G (p.Ala4091Gly)

Gene: RYR2 (ryanodine receptor 2; plus strand). Cytogenetic location: 1q43.
Variant type: single nucleotide variant.
Coding change: c.12272C>G on transcript NM_001035.3 (MANE Select); coding-DNA position 12272, C replaced by G.
Protein change: p.Ala4091Gly; replaces alanine 4091 with glycine.
Molecular consequence: missense variant.
Genome position (GRCh38, 1-based): chr1:237,783,984, C>G. VCF-style: chr1-237783984-C-G. GRCh37 (hg19) VCF-style: chr1-237947284-C-G.
Other names: short protein forms A4091G.
Identifiers: ClinVar variation 2727021 (VCV002727021.3), dbSNP rs794728783, ClinGen allele CA345412858.

ClinVar aggregate classification (germline): Likely pathogenic (1 of 4 stars; one submission).

Conditions:
Catecholaminergic polymorphic ventricular tachycardia 1. Also called: RYR2-Related Catecholaminergic Polymorphic Ventricular Tachycardia; VENTRICULAR TACHYCARDIA, CATECHOLAMINERGIC POLYMORPHIC, 1, WITH OR WITHOUT ATRIAL DYSFUNCTION AND/OR DILATED CARDIOMYOPATHY; VENTRICULAR TACHYCARDIA, STRESS-INDUCED POLYMORPHIC 1. Identifiers: Orphanet 3286, MedGen C1631597, MONDO:0011484, OMIM 604772.

Submission:

Labcorp Genetics (formerly Invitae), Labcorp
Classification: Likely pathogenic for Catecholaminergic polymorphic ventricular tachycardia 1. Last evaluated: 2023-10-25. Review status: criteria provided, single submitter. Criteria: Invitae Variant Classification Sherloc (09022015). Collection method: clinical testing. Allele origin: germline.
Comment: This sequence change replaces alanine, which is neutral and non-polar, with glycine, which is neutral and non-polar, at codon 4091 of the RYR2 protein (p.Ala4091Gly). This variant is not present in population databases (gnomAD no frequency). This missense change has been observed in individual(s) with catecholaminergic polymorphic ventricular tachycardia (Invitae). Advanced modeling of protein sequence and biophysical properties (such as structural, functional, and spatial information, amino acid conservation, physicochemical variation, residue mobility, and thermodynamic stability) performed at Invitae indicates that this missense variant is expected to disrupt RYR2 protein function with a positive predictive value of 95%. This variant disrupts the p.Ala4091 amino acid residue in RYR2. Other variant(s) that disrupt this residue have been determined to be pathogenic (PMID: 19398665, 26256814, 31112425). This suggests that this residue is clinically significant, and that variants that disrupt this residue are likely to be disease-causing. In summary, the currently available evidence indicates that the variant is pathogenic, but additional data are needed to prove that conclusively. Therefore, this variant has been classified as Likely Pathogenic.

Literature cited by the submitters: PubMed 19398665; PubMed 26256814; PubMed 31112425.